The following is an entry in ClinVar:

NM_001370466.1(NOD2):c.1846C>T (p.Leu616Phe)

Gene: NOD2 (nucleotide binding oligomerization domain containing 2; plus strand). Cytogenetic location: 16q12.1.
Variant type: single nucleotide variant.
Coding change: c.1846C>T on transcript NM_001370466.1 (MANE Select); coding-DNA position 1846, C replaced by T.
Protein change: p.Leu616Phe; replaces leucine 616 with phenylalanine.
Molecular consequence: missense variant. On other transcripts: non-coding transcript variant (1).
Genome position (GRCh38, 1-based): chr16:50,711,838, C>T. VCF-style: chr16-50711838-C-T. GRCh37 (hg19) VCF-style: chr16-50745749-C-T.
Other names: c.1846C>T, p.Leu616Phe (NM_001293557.2); c.1927C>T, p.Leu643Phe (NM_022162.3); short protein forms L616F, L643F.
Identifiers: ClinVar variation 2946337 (VCV002946337.3), dbSNP rs775480458, ClinGen allele CA8051646.

ClinVar aggregate classification (germline): Uncertain significance (1 of 4 stars; one submission).

Conditions:
Regional enteritis. Also called: Enteritis, Granulomatous. Identifiers: MedGen C0678202, MeSH D003424.
Blau syndrome (BLAUS). Also called: ARTHROCUTANEOUVEAL GRANULOMATOSIS; GRANULOMATOSIS, FAMILIAL JUVENILE SYSTEMIC; GRANULOMATOSIS, FAMILIAL, BLAU TYPE; GRANULOMATOUS INFLAMMATORY ARTHRITIS, DERMATITIS, AND UVEITIS, FAMILIAL; JABS SYNDROME. Identifiers: Orphanet 90340, MedGen C5201146, MONDO:0008523, OMIM 186580.

Allele frequency attached by ClinVar (database versions not stated): gnomAD exomes below 0.00001; ExAC 0.00001.
gnomAD v4.1: 2 of 1,613,478 alleles (0.00012%); highest among the groups gnomAD compares: South Asian, 0.0011%; no homozygotes.

Submission:

Labcorp Genetics (formerly Invitae), Labcorp
Classification: Uncertain significance for Regional enteritis; Blau syndrome. Last evaluated: 2023-04-08. Review status: criteria provided, single submitter. Criteria: Invitae Variant Classification Sherloc (09022015). Collection method: clinical testing. Allele origin: germline.
Comment: In summary, the available evidence is currently insufficient to determine the role of this variant in disease. Therefore, it has been classified as a Variant of Uncertain Significance. Advanced modeling of protein sequence and biophysical properties (such as structural, functional, and spatial information, amino acid conservation, physicochemical variation, residue mobility, and thermodynamic stability) performed at Invitae indicates that this missense variant is not expected to disrupt NOD2 protein function. This variant has not been reported in the literature in individuals affected with NOD2-related conditions. This variant is present in population databases (rs775480458, gnomAD 0.003%). This sequence change replaces leucine, which is neutral and non-polar, with phenylalanine, which is neutral and non-polar, at codon 643 of the NOD2 protein (p.Leu643Phe).